The following is an entry in ClinVar:

ClinVar aggregate classification (germline): Likely benign. Review status: criteria provided, multiple submitters, no conflicts (2 of 4 stars). 2 submissions from 2 submitters: Likely benign (2). Last evaluated 2023-11-20.

Conditions:
Cardiomyopathy (CMYO). Also called: Cardiomyopathies. Identifiers: Orphanet 167848, MedGen C0878544, MONDO:0004994, HP:0001638. Inheritance: Various modes of inheritance.
Cardiovascular phenotype. Identifiers: MedGen CN230736.

Submissions (2):

All of Us Research Program, National Institutes of Health
Classification: Likely benign for Cardiomyopathy. Last evaluated: 2023-11-20. Review status: criteria provided, single submitter. Criteria: ACMG Guidelines, 2015. Collection method: clinical testing. Allele origin: germline. Inheritance: Autosomal dominant inheritance. Observed: 1 variant allele, 1 heterozygote.
Comment: This study involves interpretation of variants in research participants for the purpose of population health screening. Participant phenotype was not available at the time of variant classification. Additional details can be found in publication PMID: 35346344, PMCID: PMC8962531

Ambry Genetics
Classification: Likely benign for Cardiovascular phenotype. Last evaluated: 2020-11-17. Review status: criteria provided, single submitter. Criteria: Ambry Variant Classification Scheme 2023. Collection method: clinical testing. Allele origin: germline.

NM_000257.4(MYH7):c.2442C>A (p.Ile814=)

Genes: MYH7 (myosin heavy chain 7; minus strand), LOC126861898 (BRD4-independent group 4 enhancer GRCh37_chr14:23893609-23894808; plus strand). Cytogenetic location: 14q11.2.
Variant type: single nucleotide variant.
Coding change: c.2442C>A on transcript NM_000257.4 (MANE Select); coding-DNA position 2442, C replaced by A.
Protein change: p.Ile814=; no amino-acid change (isoleucine 814 retained).
Molecular consequence: synonymous variant.
Genome position (GRCh38, 1-based): chr14:23,425,006, G>T on the plus strand (C>A on the coding strand, the complement: MYH7 is on the minus strand). VCF-style: chr14-23425006-G-T. GRCh37 (hg19) VCF-style: chr14-23894215-G-T.
Other names: c.2442C>A, p.Ile814= (NM_001407004.1).
Identifiers: ClinVar variation 1791345 (VCV001791345.3), dbSNP rs1892638805, ClinGen allele CA485766813.